The following is an entry in ClinVar:

ClinVar aggregate classification (germline): Uncertain significance (1 of 4 stars; one submission).

Conditions:
Meckel-Gruber syndrome. Also called: Dysencephalia splachnocystica; DYSENCEPHALIA SPLANCHNOCYSTICA; GRUBER SYNDROME. Identifiers: Orphanet 564, MedGen C0265215, MONDO:0018921.
Joubert syndrome. Also called: Familial aplasia of the vermis; CEREBELLOPARENCHYMAL DISORDER IV; JOUBERT-BOLTSHAUSER SYNDROME. Identifiers: Orphanet 475, MedGen C5979921, MONDO:0018772.

Allele frequency attached by ClinVar (database versions not stated): TOPMed below 0.00001.

Submission:

Labcorp Genetics (formerly Invitae), Labcorp
Classification: Uncertain significance for Joubert syndrome; Meckel-Gruber syndrome. Last evaluated: 2022-08-23. Review status: criteria provided, single submitter. Criteria: Invitae Variant Classification Sherloc (09022015). Collection method: clinical testing. Allele origin: germline.
Comment: In summary, the available evidence is currently insufficient to determine the role of this variant in disease. Therefore, it has been classified as a Variant of Uncertain Significance. Algorithms developed to predict the effect of sequence changes on RNA splicing suggest that this variant may create or strengthen a splice site. Advanced modeling of protein sequence and biophysical properties (such as structural, functional, and spatial information, amino acid conservation, physicochemical variation, residue mobility, and thermodynamic stability) performed at Invitae indicates that this missense variant is not expected to disrupt TMEM67 protein function. ClinVar contains an entry for this variant (Variation ID: 939885). This variant has not been reported in the literature in individuals affected with TMEM67-related conditions. This variant is not present in population databases (gnomAD no frequency). This sequence change replaces serine, which is neutral and polar, with arginine, which is basic and polar, at codon 929 of the TMEM67 protein (p.Ser929Arg).

NM_153704.6(TMEM67):c.2787T>G (p.Ser929Arg)

Gene: TMEM67 (transmembrane protein 67; plus strand). Cytogenetic location: 8q22.1.
Variant type: single nucleotide variant.
Coding change: c.2787T>G on transcript NM_153704.6 (MANE Select); coding-DNA position 2787, T replaced by G.
Protein change: p.Ser929Arg; replaces serine 929 with arginine.
Molecular consequence: missense variant. On other transcripts: non-coding transcript variant (1).
Genome position (GRCh38, 1-based): chr8:93,815,327, T>G. VCF-style: chr8-93815327-T-G. GRCh37 (hg19) VCF-style: chr8-94827555-T-G.
Other names: c.2544T>G, p.Ser848Arg (NM_001142301.1); short protein forms S848R, S929R.
Identifiers: ClinVar variation 939885 (VCV000939885.10), dbSNP rs1197717166, ClinGen allele CA371700991.
Genomic context (GRCh38, chr8:93,815,327, plus strand): 5'-TAAATTTCTAATTTATATTTTCTAAATTTTTTTAATAGATGAAGGTTATTCTTTCAGCAG[T>G]GTCCTGTATTATGGAAATGAAGCTACTCTTCTTATTTTTGATCTGCTGTTCTTCTGTGTT-3'
Protein context (NP_714915.3, residues 919-939): FYNDEGYSFS[Ser929Arg]VLYYGNEATL